The following is an entry in ClinVar:

ClinVar aggregate classification (germline): Pathogenic (1 of 4 stars; one submission).

Conditions:
RYR1-related disorder. Also called: RYR1-related condition; RYR1-related disorders. Identifiers: MedGen CN239331.

Submission:

Labcorp Genetics (formerly Invitae), Labcorp
Classification: Pathogenic for RYR1-related disorder. Last evaluated: 2023-02-22. Review status: criteria provided, single submitter. Criteria: Invitae Variant Classification Sherloc (09022015). Collection method: clinical testing. Allele origin: germline.
Comment: This sequence change creates a premature translational stop signal (p.Cys3304Alafs*17) in the RYR1 gene. It is expected to result in an absent or disrupted protein product. Loss-of-function variants in RYR1 are known to be pathogenic (PMID: 23919265, 25960145, 28818389, 30611313). This variant is present in population databases (rs768939660, gnomAD 0.0009%). This variant has not been reported in the literature in individuals affected with RYR1-related conditions. For these reasons, this variant has been classified as Pathogenic.

Literature cited by the submitters: PubMed 23919265; PubMed 25960145; PubMed 28818389; PubMed 30611313.

NM_000540.3(RYR1):c.9909del (p.Cys3304fs)

Gene: RYR1 (ryanodine receptor 1; plus strand). Cytogenetic location: 19q13.2.
Variant type: Deletion.
Coding change: c.9909del on transcript NM_000540.3 (MANE Select); coding-DNA position 9909, one base deleted (C; older notation c.9909delC).
Protein change: p.Cys3304fs; shifts the reading frame from cysteine 3304.
Molecular consequence: frameshift variant.
Genome position (GRCh38, 1-based): chr19:38,517,582, C deleted; the last of 3 consecutive C bases (chr19:38,517,580-38,517,582); deleting any one gives the same sequence. VCF-style (leftmost placement, unchanged base first): chr19-38517579-AC-A. GRCh37 (hg19) VCF-style: chr19-39008219-AC-A.
Other names: c.9909del, p.Cys3304fs (NM_001042723.2); short protein forms C3304fs.
Identifiers: ClinVar variation 2839747 (VCV002839747.3), dbSNP rs768939660, ClinGen allele CA074336.